The following is an entry in ClinVar:

NM_001366110.1(PAX4):c.800C>T (p.Ala267Val)

Gene: PAX4 (paired box 4; minus strand). Cytogenetic location: 7q32.1.
Variant type: single nucleotide variant.
Coding change: c.800C>T on transcript NM_001366110.1 (MANE Select); coding-DNA position 800, C replaced by T.
Protein change: p.Ala267Val; replaces alanine 267 with valine.
Molecular consequence: missense variant.
Genome position (GRCh38, 1-based): chr7:127,611,648, G>A on the plus strand (C>T on the coding strand, the complement: PAX4 is on the minus strand). VCF-style: chr7-127611648-G-A. GRCh37 (hg19) VCF-style: chr7-127251702-G-A.
Other names: c.800C>T, p.Ala267Val (NM_001366111.1); short protein forms A267V.
Identifiers: ClinVar variation 1522069 (VCV001522069.7), dbSNP rs114416157, ClinGen allele CA4467898.

ClinVar aggregate classification (germline): Uncertain significance. Review status: criteria provided, multiple submitters, no conflicts (2 of 4 stars). 2 submissions from 2 submitters: Uncertain significance (2). Last evaluated 2025-08-19.

Allele frequency attached by ClinVar (database versions not stated): gnomAD exomes 0.00004 and 0.00008; ExAC 0.00010; gnomAD 0.00020 and 0.00022; TOPMed 0.00030; ESP Exome Variant Server 0.00031; 1000 Genomes Project 30x 0.00094; 1000 Genomes Project 0.00100.

Submissions (2):

Labcorp Genetics (formerly Invitae), Labcorp
Classification: Uncertain significance. Last evaluated: 2025-08-19. Review status: criteria provided, single submitter. Criteria: Invitae Variant Classification Sherloc (09022015). Collection method: clinical testing. Allele origin: germline.
Comment: This sequence change replaces alanine, which is neutral and non-polar, with valine, which is neutral and non-polar, at codon 259 of the PAX4 protein (p.Ala259Val). This variant is present in population databases (rs114416157, gnomAD 0.09%), and has an allele count higher than expected for a pathogenic variant. This variant has not been reported in the literature in individuals affected with PAX4-related conditions. ClinVar contains an entry for this variant (Variation ID: 1522069). An algorithm developed to predict the effect of missense changes on protein structure and function outputs the following: PolyPhen-2: "Benign". The valine amino acid residue is found in multiple mammalian species, which suggests that this missense change does not adversely affect protein function. In summary, the available evidence is currently insufficient to determine the role of this variant in disease. Therefore, it has been classified as a Variant of Uncertain Significance.

Breakthrough Genomics
Classification: Uncertain significance. Review status: criteria provided, single submitter. Criteria: ACMG Guidelines, 2015. Collection method: not provided. Allele origin: germline. Inheritance: Autosomal recessive inheritance. Affected: yes.